The following is an entry in ClinVar:

NM_001042492.3(NF1):c.1552del (p.Thr518fs)

Gene: NF1 (neurofibromin 1; plus strand). Cytogenetic location: 17q11.2.
Variant type: Deletion.
Coding change: c.1552del on transcript NM_001042492.3 (MANE Select); coding-DNA position 1552, one base deleted (A; older notation c.1552delA).
Protein change: p.Thr518fs; shifts the reading frame from threonine 518.
Molecular consequence: frameshift variant.
Genome position (GRCh38, 1-based): chr17:31,219,029, A deleted; the last of 3 consecutive A bases (chr17:31,219,027-31,219,029); deleting any one gives the same sequence. VCF-style (leftmost placement, unchanged base first): chr17-31219026-GA-G. GRCh37 (hg19) VCF-style: chr17-29546044-GA-G.
Other names: c.1552delA, p.Thr518Profs (NM_000267.4); c.1552del, p.Thr518fs (NM_001128147.3); short protein forms T518fs.
Identifiers: ClinVar variation 2006754 (VCV002006754.4), dbSNP rs2544840426, ClinGen allele CA2580092870.

ClinVar aggregate classification (germline): Pathogenic (1 of 4 stars; one submission).

Conditions:
Neurofibromatosis, type 1 (NF1). Also called: Neurofibromatosis, type I; Peripheral type neurofibromatosis; VON RECKLINGHAUSEN DISEASE; NEUROFIBROMATOSIS, TYPE I, SOMATIC. Identifiers: Orphanet 636, MedGen C0027831, MONDO:0018975, OMIM 162200. Disease mechanism: loss of function.

Submission:

Labcorp Genetics (formerly Invitae), Labcorp
Classification: Pathogenic for Neurofibromatosis, type 1. Last evaluated: 2022-06-14. Review status: criteria provided, single submitter. Criteria: Invitae Variant Classification Sherloc (09022015). Collection method: clinical testing. Allele origin: germline.
Comment: For these reasons, this variant has been classified as Pathogenic. This variant has not been reported in the literature in individuals affected with NF1-related conditions. This variant is not present in population databases (gnomAD no frequency). This sequence change creates a premature translational stop signal (p.Thr518Profs*8) in the NF1 gene. It is expected to result in an absent or disrupted protein product. Loss-of-function variants in NF1 are known to be pathogenic (PMID: 10712197, 23913538).

Literature cited by the submitters: PubMed 10712197; PubMed 23913538.